The following is an entry in ClinVar:

NM_194293.4(XIRP1):c.5302G>A (p.Val1768Met)

Gene: XIRP1 (xin actin binding repeat containing 1; minus strand). Cytogenetic location: 3p22.2.
Variant type: single nucleotide variant.
Coding change: c.5302G>A on transcript NM_194293.4 (MANE Select); coding-DNA position 5302, G replaced by A.
Protein change: p.Val1768Met; replaces valine 1768 with methionine.
Molecular consequence: missense variant. On other transcripts: 3 prime UTR variant (1).
Genome position (GRCh38, 1-based): chr3:39,184,144, C>T on the plus strand (G>A on the coding strand, the complement: XIRP1 is on the minus strand). VCF-style: chr3-39184144-C-T. GRCh37 (hg19) VCF-style: chr3-39225635-C-T.
Other names: c.*1509G>A (NM_001198621.4); c.1351G>A, p.Val451Met (NM_001351377.2); short protein forms V1768M, V451M.
Identifiers: ClinVar variation 3038432 (VCV003038432.2), dbSNP rs111243567, ClinGen allele CA2325681.

ClinVar aggregate classification (germline): Benign (0 of 4 stars; one submission).

Conditions:
XIRP1-related disorder. Also called: XIRP1-related condition.

Allele frequency attached by ClinVar (database versions not stated): ESP Exome Variant Server 0.00323; 1000 Genomes Project 0.00399; 1000 Genomes Project 30x 0.00406.
gnomAD v4.1: 1,071 of 1,612,432 alleles (0.066%); highest among the groups gnomAD compares: African/African-American, 1%; 10 homozygotes.

Submission:

PreventionGenetics, part of Exact Sciences
Classification: Benign for XIRP1-related condition. Last evaluated: 2019-05-27. Review status: no assertion criteria provided. Collection method: clinical testing. Allele origin: germline.
Comment: This variant is classified as benign based on ACMG/AMP sequence variant interpretation guidelines (Richards et al. 2015 PMID: 25741868, with internal and published modifications).